The following is an entry in ClinVar:

NM_022841.7(RFX7):c.671G>A (p.Arg224His)

Gene: RFX7 (regulatory factor X7; minus strand). Cytogenetic location: 15q21.3.
Variant type: single nucleotide variant.
Coding change: c.671G>A on transcript NM_022841.7 (MANE Select); coding-DNA position 671, G replaced by A.
Protein change: p.Arg224His; replaces arginine 224 with histidine.
Molecular consequence: missense variant.
Genome position (GRCh38, 1-based): chr15:56,101,499, C>T on the plus strand (G>A on the coding strand, the complement: RFX7 is on the minus strand). VCF-style: chr15-56101499-C-T. GRCh37 (hg19) VCF-style: chr15-56393697-C-T.
Other names: (p.Arg224His); c.380G>A, p.Arg127His (NM_001368073.2, NM_001368074.1, NM_001370554.1); c.671G>A, p.Arg224His (NM_001370561.1); short protein forms R127H, R224H.
Identifiers: ClinVar variation 2628081 (VCV002628081.2), dbSNP rs202086022, ClinGen allele CA7578455.
Genomic context (GRCh38, chr15:56,101,499, plus strand): 5'-AATTCCAAGACGGTGTCAAATGGTTGGCTTAACACTTTCTGGGCCCACTCACACACAAGA[C>T]GGCAAGCAGAAGAGATAACTTCTTCATCAATATTTTGAAGCTGCCCAGAAGGTTCAGCTC-3'
Protein context (NP_073752.6, residues 214-234): IDEEVISSAC[Arg224His]LVCEWAQKVL

ClinVar aggregate classification (germline): Uncertain significance (1 of 4 stars; one submission).

Conditions:
Intellectual developmental disorder, autosomal dominant 71, with behavioral abnormalities (MRD71). Identifiers: MedGen C5830437, MONDO:0957228, OMIM 620330.

Allele frequency attached by ClinVar (database versions not stated): gnomAD 0.00005; gnomAD exomes 0.00005; TOPMed 0.00005; ExAC 0.00007.
gnomAD v4.1: 88 of 1,613,506 alleles (0.0055%); highest among the groups gnomAD compares: Middle Eastern, 0.016%; no homozygotes.

Submission:

Foundation for Research in Genetics and Endocrinology, FRIGE's Institute of Human Genetics
Classification: Uncertain significance for Intellectual developmental disorder, autosomal dominant 71, with behavioral abnormalities. Last evaluated: 2023-11-10. Review status: criteria provided, single submitter. Criteria: ACMG Guidelines, 2015. Collection method: clinical testing. Allele origin: germline. Inheritance: Autosomal dominant inheritance. Affected: yes. Observed: 1 heterozygote.
Comment: A heterozygous missense variant in exon 8 of the RFX7 gene that results in the amino acid substitution of Histidine for Arginine at codon 224 (p.Arg224His) was detected. This variant has not been reported in the 1000 genomes database and has a minor allele frequency of 0.00461%, 0.01124% and 0.00453% in the gnomAD (v3.1), gnomdAD (v2.1) and topmed in our internal databases respectively. The reference codon is conserved across species. In summary, the variant meets our criteria to be classified as variant of uncertain significance.